The following is an entry in ClinVar:

ClinVar aggregate classification (germline): Uncertain significance (1 of 4 stars; one submission).

Conditions:
Familial cancer of breast. Also called: hereditary breast carcinoma; BREAST CANCER, FAMILIAL; Hereditary breast cancer. Identifiers: Orphanet 227535, MedGen C0346153, MONDO:0016419, OMIM 114480. Disease mechanism: loss of function.

Submission:

Labcorp Genetics (formerly Invitae), Labcorp
Classification: Uncertain significance for Familial cancer of breast. Last evaluated: 2025-01-23. Review status: criteria provided, single submitter. Criteria: Invitae Variant Classification Sherloc (09022015). Collection method: clinical testing. Allele origin: germline.
Comment: This sequence change replaces threonine, which is neutral and polar, with asparagine, which is neutral and polar, at codon 88 of the BARD1 protein (p.Thr88Asn). This variant is not present in population databases (gnomAD no frequency). This variant has not been reported in the literature in individuals affected with BARD1-related conditions. An algorithm developed to predict the effect of missense changes on protein structure and function (PolyPhen-2) suggests that this variant is likely to be disruptive. In summary, the available evidence is currently insufficient to determine the role of this variant in disease. Therefore, it has been classified as a Variant of Uncertain Significance.

NM_000465.4(BARD1):c.263C>A (p.Thr88Asn)

Gene: BARD1 (BRCA1 associated RING domain 1; minus strand). Cytogenetic location: 2q35.
Variant type: single nucleotide variant.
Coding change: c.263C>A on transcript NM_000465.4 (MANE Select); coding-DNA position 263, C replaced by A.
Protein change: p.Thr88Asn; replaces threonine 88 with asparagine.
Molecular consequence: missense variant. On other transcripts: non-coding transcript variant (1), intron variant (2).
Genome position (GRCh38, 1-based): chr2:214,792,398, G>T on the plus strand (C>A on the coding strand, the complement: BARD1 is on the minus strand). VCF-style: chr2-214792398-G-T. GRCh37 (hg19) VCF-style: chr2-215657122-G-T.
Other names: c.206C>A, p.Thr69Asn (NM_001282543.2); c.263C>A, p.Thr88Asn (NM_001282549.2); c.158+17014C>A (NM_001282548.2); c.215+4663C>A (NM_001282545.2); short protein forms T69N, T88N.
Identifiers: ClinVar variation 3684125 (VCV003684125.2).